The following is an entry in ClinVar:

NM_001378454.1(ALMS1):c.3868A>T (p.Arg1290Ter)

Gene: ALMS1 (ALMS1 centrosome and basal body associated protein; plus strand). Cytogenetic location: 2p13.1.
Variant type: single nucleotide variant.
Coding change: c.3868A>T on transcript NM_001378454.1 (MANE Select); coding-DNA position 3868, A replaced by T.
Protein change: p.Arg1290Ter; replaces arginine 1290 with a stop codon.
Molecular consequence: nonsense.
Genome position (GRCh38, 1-based): chr2:73,450,395, A>T. VCF-style: chr2-73450395-A-T. GRCh37 (hg19) VCF-style: chr2-73677522-A-T.
Other names: c.3871A>T, p.Arg1291Ter (NM_015120.4); short protein forms R1290*, R1291*.
Identifiers: ClinVar variation 1725830 (VCV001725830.2), dbSNP rs2466099694, ClinGen allele CA347276961.

ClinVar aggregate classification (germline): Likely pathogenic (1 of 4 stars; one submission).

Conditions:
Alstrom syndrome (ALMS). Identifiers: Orphanet 64, MedGen C0268425, MONDO:0008763, OMIM 203800.

Submission:

Myriad Genetics, Inc.
Classification: Likely pathogenic for Alstrom syndrome. Last evaluated: 2022-04-02. Review status: criteria provided, single submitter. Criteria: Myriad Women's Health Autosomal Recessive and X-Linked Classification Criteria (2021). Collection method: clinical testing. Allele origin: unknown.
Comment: NM_015120.4(ALMS1):c.3871A>T(R1291*) is expected to be pathogenic in the context of Alstrom syndrome. This variant is predicted to lead to an abnormal or absent protein product due to the creation of a premature termination codon in ALMS1, a gene where loss-of-function variants are known to be pathogenic. Please note: this variant was assessed in the context of healthy population screening.